The following is an entry in ClinVar:

NM_014679.5(CEP57):c.604A>G (p.Met202Val)

Gene: CEP57 (centrosomal protein 57; plus strand). Cytogenetic location: 11q21.
Variant type: single nucleotide variant.
Coding change: c.604A>G on transcript NM_014679.5 (MANE Select); coding-DNA position 604, A replaced by G.
Protein change: p.Met202Val; replaces methionine 202 with valine.
Molecular consequence: missense variant. On other transcripts: intron variant (7).
Genome position (GRCh38, 1-based): chr11:95,817,886, A>G. VCF-style: chr11-95817886-A-G. GRCh37 (hg19) VCF-style: chr11-95551050-A-G.
Other names: c.577A>G, p.Met193Val (NM_001243776.2); c.604A>G, p.Met202Val (NM_001243777.2, NM_001440871.1, NM_001440874.1); c.523A>G, p.Met175Val (NM_001363604.2, NM_001440869.1, NM_001440870.1 and 1 more transcripts); c.424A>G, p.Met142Val (NM_001440873.1); c.343A>G, p.Met115Val (NM_001440880.1); c.424-941A>G (NM_001440877.1, NM_001440878.1); c.505-941A>G (NM_001440872.1, NM_001440876.1, NM_001440879.1 and 1 more transcripts); c.325-941A>G (NM_001440881.1); short protein forms M193V, M202V, M115V, M142V, M175V.
Identifiers: ClinVar variation 4613554 (VCV004613554.1).
Genomic context (GRCh38, chr11:95,817,886, plus strand): 5'-GTTCAGAGCCAACTTGAAAAATTGGATCTTCTTGAACAGGAGTATAACAAACTTACCACA[A>G]TGCAGGCCCTTGCAGAAGTCAGTGCATGTGTCTTTTTATTGTTAACATATATCAGGGTGG-3'
Protein context (NP_055494.2, residues 192-212): LEQEYNKLTT[Met202Val]QALAEKKMQE

ClinVar aggregate classification (germline): Uncertain significance (1 of 4 stars; one submission).

Conditions:
Inborn genetic diseases. Identifiers: MedGen C0950123, MeSH D030342.

Submission:

Ambry Genetics
Classification: Uncertain significance for Inborn genetic diseases. Last evaluated: 2025-10-25. Review status: criteria provided, single submitter. Criteria: Ambry Variant Classification Scheme 2023. Collection method: clinical testing. Allele origin: germline.
Comment: The p.M202V variant (also known as c.604A>G), located in coding exon 5 of the CEP57 gene, results from an A to G substitution at nucleotide position 604. The methionine at codon 202 is replaced by valine, an amino acid with highly similar properties. This amino acid position is conserved. In addition, the in silico prediction for this alteration is inconclusive. Based on the available evidence, the clinical significance of this variant remains unclear.